The following is an entry in ClinVar:

ClinVar aggregate classification (germline): Uncertain significance (1 of 4 stars; one submission).

Conditions:
Hereditary cancer-predisposing syndrome. Also called: Hereditary Cancer Syndrome; Tumor predisposition; Hereditary neoplastic syndrome; Neoplastic Syndromes, Hereditary. Identifiers: Orphanet 140162, MedGen C0027672, MeSH D009386, MONDO:0015356.

Submission:

Ambry Genetics
Classification: Uncertain significance for Hereditary cancer-predisposing syndrome. Last evaluated: 2024-11-28. Review status: criteria provided, single submitter. Criteria: Ambry Variant Classification Scheme 2023. Collection method: clinical testing. Allele origin: germline.
Comment: The p.E64Q variant (also known as c.190G>C), located in coding exon 3 of the MRE11A gene, results from a G to C substitution at nucleotide position 190. The glutamic acid at codon 64 is replaced by glutamine, an amino acid with highly similar properties. This amino acid position is conserved. In addition, the in silico prediction for this alteration is inconclusive. Based on the available evidence, the clinical significance of this variant remains unclear.

NM_005591.4(MRE11):c.190G>C (p.Glu64Gln)

Gene: MRE11 (MRE11 double strand break repair nuclease; minus strand). Cytogenetic location: 11q21.
Variant type: single nucleotide variant.
Coding change: c.190G>C on transcript NM_005591.4 (MANE Select); coding-DNA position 190, G replaced by C.
Protein change: p.Glu64Gln; replaces glutamic acid 64 with glutamine.
Molecular consequence: missense variant.
Genome position (GRCh38, 1-based): chr11:94,486,048, C>G on the plus strand (G>C on the coding strand, the complement: MRE11 is on the minus strand). VCF-style: chr11-94486048-C-G. GRCh37 (hg19) VCF-style: chr11-94219214-C-G.
Other names: c.190G>C, p.Glu64Gln (NM_001330347.2, NM_005590.4); short protein forms E64Q.
Identifiers: ClinVar variation 3397893 (VCV003397893.1).